The following is an entry in ClinVar:

ClinVar aggregate classification (germline): Uncertain significance (1 of 4 stars; one submission).

Submission:

Labcorp Genetics (formerly Invitae), Labcorp
Classification: Uncertain significance. Last evaluated: 2022-05-22. Review status: criteria provided, single submitter. Criteria: Invitae Variant Classification Sherloc (09022015). Collection method: clinical testing. Allele origin: germline.
Comment: This sequence change replaces alanine, which is neutral and non-polar, with glycine, which is neutral and non-polar, at codon 86 of the ERBIN protein (p.Ala86Gly). In summary, the available evidence is currently insufficient to determine the role of this variant in disease. Therefore, it has been classified as a Variant of Uncertain Significance. Algorithms developed to predict the effect of missense changes on protein structure and function are either unavailable or do not agree on the potential impact of this missense change (SIFT: "Deleterious"; PolyPhen-2: "Possibly Damaging"; Align-GVGD: "Class C0"). This variant has not been reported in the literature in individuals affected with ERBIN-related conditions. This variant is not present in population databases (gnomAD no frequency).

NM_001253697.2(ERBIN):c.257C>G (p.Ala86Gly)

Gene: ERBIN (erbb2 interacting protein; plus strand). Cytogenetic location: 5q12.3.
Variant type: single nucleotide variant.
Coding change: c.257C>G on transcript NM_001253697.2 (MANE Select); coding-DNA position 257, C replaced by G.
Protein change: p.Ala86Gly; replaces alanine 86 with glycine.
Molecular consequence: missense variant.
Genome position (GRCh38, 1-based): chr5:65,994,814, C>G. VCF-style: chr5-65994814-C-G. GRCh37 (hg19) VCF-style: chr5-65290642-C-G.
Other names: c.257C>G, p.Ala86Gly (NM_001006600.3, NM_001253698.2, NM_001253699.2 and 2 more transcripts); short protein forms A86G.
Identifiers: ClinVar variation 1998083 (VCV001998083.4), dbSNP rs780177969, ClinGen allele CA359972256.
Genomic context (GRCh38, chr5:65,994,814, plus strand): 5'-TTAACTGTCAGTCTTTACACAAACTGAGTTTGCCAGACAATGATTTAACAACGTTACCAG[C>G]ATCCATTGCAAACCTTATTAATCTCAGGGAACTGGATGTCAGCAAGAATGGTAAGGCTTT-3'
Protein context (NP_001240626.1, residues 76-96): LPDNDLTTLP[Ala86Gly]SIANLINLRE